The following is an entry in ClinVar:

ClinVar aggregate classification (germline): Uncertain significance (1 of 4 stars; one submission).

Conditions:
Alstrom syndrome (ALMS). Identifiers: Orphanet 64, MedGen C0268425, MONDO:0008763, OMIM 203800.

Allele frequency attached by ClinVar (database versions not stated): TOPMed 0.00001.

Submission:

Labcorp Genetics (formerly Invitae), Labcorp
Classification: Uncertain significance for Alstrom syndrome. Last evaluated: 2022-06-12. Review status: criteria provided, single submitter. Criteria: Invitae Variant Classification Sherloc (09022015). Collection method: clinical testing. Allele origin: germline.
Comment: This variant is not present in population databases (gnomAD no frequency). This sequence change replaces aspartic acid, which is acidic and polar, with asparagine, which is neutral and polar, at codon 3542 of the ALMS1 protein (p.Asp3542Asn). This variant has not been reported in the literature in individuals affected with ALMS1-related conditions. Experimental studies and prediction algorithms are not available or were not evaluated, and the functional significance of this variant is currently unknown. In summary, the available evidence is currently insufficient to determine the role of this variant in disease. Therefore, it has been classified as a Variant of Uncertain Significance.

NM_001378454.1(ALMS1):c.10621G>A (p.Asp3541Asn)

Gene: ALMS1 (ALMS1 centrosome and basal body associated protein; plus strand). Cytogenetic location: 2p13.1.
Variant type: single nucleotide variant.
Coding change: c.10621G>A on transcript NM_001378454.1 (MANE Select); coding-DNA position 10621, G replaced by A.
Protein change: p.Asp3541Asn; replaces aspartic acid 3541 with asparagine.
Molecular consequence: missense variant.
Genome position (GRCh38, 1-based): chr2:73,572,498, G>A. VCF-style: chr2-73572498-G-A. GRCh37 (hg19) VCF-style: chr2-73799625-G-A.
Other names: c.10624G>A, p.Asp3542Asn (NM_015120.4); short protein forms D3541N, D3542N.
Identifiers: ClinVar variation 1937475 (VCV001937475.5), dbSNP rs1326012587, ClinGen allele CA347284235.